The following is an entry in ClinVar:

NM_001206979.2(NR1H4):c.792_796del (p.Tyr264_Lys266delinsTer)

Gene: NR1H4 (nuclear receptor subfamily 1 group H member 4; plus strand). Cytogenetic location: 12q23.1.
Variant type: Deletion.
Coding change: c.792_796del on transcript NM_001206979.2 (MANE Select); coding-DNA positions 792 to 796, 5 bases deleted (TAACA; older notation c.792_796delTAACA).
Protein change: p.Tyr264_Lys266delinsTer.
Molecular consequence: nonsense. On other transcripts: non-coding transcript variant (1).
Genome position (GRCh38, 1-based): chr12:100,536,571-100,536,575, TAACA deleted; deleting any 5 consecutive bases within chr12:100,536,570-100,536,575 gives the same sequence; the c. name uses the placement nearest the transcript's 3' end. VCF-style (leftmost placement, unchanged base first): chr12-100536569-TATAAC-T. GRCh37 (hg19) VCF-style: chr12-100930347-TATAAC-T.
Other names: c.792_796del, p.Tyr264_Lys266delinsTer (NM_001206977.2); c.639_643del, p.Tyr213_Lys215delinsTer (NM_001206978.2); c.810_814del, p.Tyr270_Lys272delinsTer (NM_001206992.2); c.822_826del, p.Tyr274_Lys276delinsTer (NM_001206993.2); c.780_784del, p.Tyr260_Lys262delinsTer (NM_005123.4).
Identifiers: ClinVar variation 5040677 (VCV005040677.1).

ClinVar aggregate classification (germline): Pathogenic (1 of 4 stars; one submission).

Submission:

CeGaT Center for Human Genetics Tuebingen
Classification: Pathogenic. Last evaluated: 2026-08-01. Review status: criteria provided, single submitter. Criteria: CeGaT Center For Human Genetics Tuebingen Variant Classification Criteria Version 2. Collection method: clinical testing. Allele origin: germline. Affected: yes. Observed: 1 variant allele.
Comment: NR1H4: PVS1, PM2